The following is an entry in ClinVar:

NM_007346.4(OGFR):c.1734A>G (p.Pro578=)

Gene: OGFR (opioid growth factor receptor; plus strand). Cytogenetic location: 20q13.33.
Variant type: single nucleotide variant.
Coding change: c.1734A>G on transcript NM_007346.4 (MANE Select); coding-DNA position 1734, A replaced by G.
Protein change: p.Pro578=; no amino-acid change (proline 578 retained).
Molecular consequence: synonymous variant.
Genome position (GRCh38, 1-based): chr20:62,813,349, A>G. VCF-style: chr20-62813349-A-G. GRCh37 (hg19) VCF-style: chr20-61444701-A-G.
Identifiers: ClinVar variation 4822003 (VCV004822003.4).

ClinVar aggregate classification (germline): Likely benign (1 of 4 stars; one submission).

gnomAD v4.1: 16 of 1,529,878 alleles (0.001%); highest among the groups gnomAD compares: Middle Eastern, 0.023%; no homozygotes.

Submission:

CeGaT Center for Human Genetics Tuebingen
Classification: Likely benign. Last evaluated: 2026-02-01. Review status: criteria provided, single submitter. Criteria: CeGaT Center For Human Genetics Tuebingen Variant Classification Criteria Version 2. Collection method: clinical testing. Allele origin: germline. Affected: yes. Observed: 1 variant allele.
Comment: OGFR: BP4, BP7